The following is an entry in ClinVar:

ClinVar aggregate classification (germline): Pathogenic (1 of 4 stars; one submission).

Submission:

GeneDx
Classification: Pathogenic. Last evaluated: 2018-08-23. Review status: criteria provided, single submitter. Criteria: GeneDx Variant Classification (06012015). Collection method: clinical testing. Allele origin: germline. Affected: yes.
Comment: The c.1795_1798dupGGCC variant has not been published as a pathogenic variant, nor has it been reported as a benign variant to our knowledge. The variant is not observed in large population cohorts (Lek et al., 2016). It causes a frameshift starting with codon Proline 600, changes this amino acid to an Arginine residue and creates a premature Stop codon at position 381 of the new reading frame, denoted p.Pro600ArgfsX381. This variant is predicted to cause loss of normal protein function either through protein truncation or nonsense-mediated mRNA decay. We consider this variant to be pathogenic.

NM_016239.4(MYO15A):c.1795_1798dup (p.Pro600fs)

Gene: MYO15A (myosin XVA; plus strand). Cytogenetic location: 17p11.2.
Variant type: Duplication.
Coding change: c.1795_1798dup on transcript NM_016239.4 (MANE Select); coding-DNA positions 1795 to 1798, 4 bases duplicated (GGCC; older notation c.1795_1798dupGGCC).
Protein change: p.Pro600fs; shifts the reading frame from proline 600.
Molecular consequence: frameshift variant.
Genome position (GRCh38, 1-based): chr17:18,120,595-18,120,598, GGCC duplicated; duplicating any 4 consecutive bases within chr17:18,120,594-18,120,598 gives the same sequence; the c. name uses the placement nearest the transcript's 3' end. VCF-style (leftmost placement, unchanged base first): chr17-18120593-G-GCGGC. GRCh37 (hg19) VCF-style: chr17-18023907-G-GCGGC.
Other names: short protein forms P600fs.
Identifiers: ClinVar variation 817748 (VCV000817748.1), dbSNP rs1597753664, ClinGen allele CA915949625.
Genomic context (GRCh38, chr17:18,120,593, plus strand): 5'-AGACGCTGTCGGAGAAGAAGCCCATCGCGCGGCTCAGGGGCAGCCAGAAGGCCCGGGCGG[G>GCGGC]CGGCCCTGCTGTCAGGGAGGCGGCCTACAAACGCTTCGGCTACAAGCTGGCTGGCATGGA-3'